The following is an entry in ClinVar:

NM_006420.3(ARFGEF2):c.5282G>A (p.Arg1761Gln)

Gene: ARFGEF2 (ARF guanine nucleotide exchange factor 2; plus strand). Cytogenetic location: 20q13.13.
Variant type: single nucleotide variant.
Coding change: c.5282G>A on transcript NM_006420.3 (MANE Select); coding-DNA position 5282, G replaced by A.
Protein change: p.Arg1761Gln; replaces arginine 1761 with glutamine.
Molecular consequence: missense variant.
Genome position (GRCh38, 1-based): chr20:49,033,123, G>A. VCF-style: chr20-49033123-G-A. GRCh37 (hg19) VCF-style: chr20-47649660-G-A.
Other names: short protein forms R1761Q.
Identifiers: ClinVar variation 1304977 (VCV001304977.2), dbSNP rs771293652, ClinGen allele CA9899442.

ClinVar aggregate classification (germline): Uncertain significance (1 of 4 stars; one submission).

Allele frequency attached by ClinVar (database versions not stated): ExAC 0.00002; gnomAD exomes 0.00002; gnomAD 0.00003 and 0.00004; TOPMed 0.00006.
gnomAD v4.1: 37 of 1,614,088 alleles (0.0023%); highest among the groups gnomAD compares: Non-Finnish European, 0.0029%; no homozygotes.

Submission:

GeneDx
Classification: Uncertain significance. Last evaluated: 2019-04-08. Review status: criteria provided, single submitter. Criteria: GeneDx Variant Classification Process June 2021. Collection method: clinical testing. Allele origin: germline. Affected: yes.
Comment: Not observed at a significant frequency in large population cohorts (Lek et al., 2016); In silico analysis, which includes protein predictors and evolutionary conservation, supports a deleterious effect; Has not been previously published as pathogenic or benign to our knowledge